The following is an entry in ClinVar:

NC_000003.12:g.(?_129061730)_(129062283_?)del

Gene: GP9 (glycoprotein IX platelet; plus strand). Cytogenetic location: 3q21.3.
Variant type: Deletion.
Identifiers: ClinVar variation 662842 (VCV000662842.7).

ClinVar aggregate classification (germline): Pathogenic (1 of 4 stars; one submission).

Submission:

Labcorp Genetics (formerly Invitae), Labcorp
Classification: Pathogenic. Last evaluated: 2022-10-28. Review status: criteria provided, single submitter. Criteria: Invitae Variant Classification Sherloc (09022015). Collection method: clinical testing. Allele origin: germline.
Comment: A gross deletion of the genomic region encompassing the full coding sequence of the GP9 gene has been identified. Loss-of-function variants in GP9 are known to be pathogenic (PMID: 21699652, 24934643). The boundaries of this event are unknown as they extend beyond the assayed region for this gene and therefore may encompass additional genes. A similar copy number variant has been observed in individual(s) with Bernard-Soulier syndrome (PMID: 32030720). For these reasons, this variant has been classified as Pathogenic.

Literature cited by the submitters: PubMed 21699652; PubMed 24934643; PubMed 32030720.